The following is an entry in ClinVar:

NM_015512.5(DNAH1):c.365del (p.Asn122fs)

Gene: DNAH1 (dynein axonemal heavy chain 1; plus strand). Cytogenetic location: 3p21.1.
Variant type: Deletion.
Coding change: c.365del on transcript NM_015512.5 (MANE Select); coding-DNA position 365, one base deleted (A; older notation c.365delA).
Protein change: p.Asn122fs; shifts the reading frame from asparagine 122.
Molecular consequence: frameshift variant.
Genome position (GRCh38, 1-based): chr3:52,323,839, A deleted; the last of 2 consecutive A bases (chr3:52,323,838-52,323,839); deleting either gives the same sequence. VCF-style (leftmost placement, unchanged base first): chr3-52323837-GA-G. GRCh37 (hg19) VCF-style: chr3-52357853-GA-G.
Other names: short protein forms N122fs.
Identifiers: ClinVar variation 4997673 (VCV004997673.1).

ClinVar aggregate classification (germline): Likely pathogenic (1 of 4 stars; one submission).

Conditions:
DNAH1-related disorder. Also called: DNAH1-related condition.

Submission:

PreventionGenetics, part of Exact Sciences
Classification: Likely pathogenic for DNAH1-related condition. Last evaluated: 2024-12-23. Review status: criteria provided, single submitter. Criteria: ACMG Guidelines, 2015. Collection method: clinical testing. Allele origin: germline.
Comment: The DNAH1 c.365delA variant is predicted to result in a frameshift and premature protein termination (p.Asn122Thrfs*79). To our knowledge, this variant has not been reported in the literature. This variant is reported in 0.0011% of alleles in individuals of European (Non-Finnish) descent in gnomAD. Frameshift variants in DNAH1 are expected to be pathogenic. This variant is interpreted as likely pathogenic.